The following is an entry in ClinVar:

ClinVar aggregate classification (germline): Likely benign. Review status: criteria provided, single submitter (1 of 4 stars). 2 submissions from 2 submitters: Likely benign (1). 1 of the submissions does not count toward it. Last evaluated 2024-10-04.

Conditions:
FLG-related disorder. Also called: FLG-related condition; FLG-related disorders.

Allele frequency attached by ClinVar (database versions not stated): ExAC 0.00026; gnomAD 0.00054; TOPMed 0.00055; ESP Exome Variant Server 0.00085.
gnomAD v4.1: 1,515 of 1,612,886 alleles (0.094%); highest among the groups gnomAD compares: Non-Finnish European, 0.12%; 1 homozygote.

Submissions (2):

Blueprint Genetics
Classification: Likely benign. Last evaluated: 2024-10-04. Review status: criteria provided, single submitter. Criteria: ACMG Guidelines, 2015. Collection method: clinical testing. Allele origin: germline.

PreventionGenetics, part of Exact Sciences
Classification: Likely benign for FLG-related condition. Last evaluated: 2019-10-29. Review status: no assertion criteria provided. Collection method: clinical testing. Allele origin: germline. Not counted in ClinVar's aggregate classification.
Comment: This variant is classified as likely benign based on ACMG/AMP sequence variant interpretation guidelines (Richards et al. 2015 PMID: 25741868, with internal and published modifications).

NM_002016.2(FLG):c.561G>A (p.Lys187=)

Genes: CCDST (cervical cancer associated DHX9 suppressive transcript; plus strand), FLG (filaggrin; minus strand). Cytogenetic location: 1q21.3.
Variant type: single nucleotide variant.
Coding change: c.561G>A on transcript NM_002016.2 (MANE Select); coding-DNA position 561, G replaced by A.
Protein change: p.Lys187=; no amino-acid change (lysine 187 retained).
Molecular consequence: synonymous variant.
Genome position (GRCh38, 1-based): chr1:152,314,325, C>T on the plus strand (G>A on the coding strand, the complement: FLG is on the minus strand). VCF-style: chr1-152314325-C-T. GRCh37 (hg19) VCF-style: chr1-152286801-C-T.
Identifiers: ClinVar variation 3046124 (VCV003046124.3), dbSNP rs146383574, ClinGen allele CA1107969.
Genomic context (GRCh38, chr1:152,314,325, plus strand): 5'-TTTCTCTTCAAGTCTTTCACTTAGCCTCTTCCTATTGTCTCCTAATCTAGTATTTTCAGT[C>T]TTGTTTTTCTCTTTTTTACTTGAGTTATGATGGTTTTTTCCATATTCTTCTTCTCTATGA-3'
Protein context (NP_002007.1, residues 177-197): HHNSSKKEKN[Lys187=]TENTRLGDNR